The following is an entry in ClinVar:

NM_033028.5(BBS4):c.681dup (p.Ala228fs)

Gene: BBS4 (Bardet-Biedl syndrome 4; plus strand). Cytogenetic location: 15q24.1.
Variant type: Duplication.
Coding change: c.681dup on transcript NM_033028.5 (MANE Select); coding-DNA position 681, one base duplicated (T; older notation c.681dupT).
Protein change: p.Ala228fs; shifts the reading frame from alanine 228.
Molecular consequence: frameshift variant. On other transcripts: non-coding transcript variant (2), intron variant (1).
Genome position (GRCh38, 1-based): chr15:72,729,654, T duplicated. VCF-style (leftmost placement, unchanged base first): chr15-72729653-A-AT. GRCh37 (hg19) VCF-style: chr15-73021994-A-AT.
Other names: c.165dup, p.Ala56fs (NM_001252678.2); c.643-1651dup (NM_001320665.2); short protein forms A228fs, A56fs.
Identifiers: ClinVar variation 4702709 (VCV004702709.1).

ClinVar aggregate classification (germline): Pathogenic (1 of 4 stars; one submission).

Conditions:
Bardet-Biedl syndrome (BBS). Identifiers: Orphanet 110, MedGen C0752166, MONDO:0015229.

Submission:

Labcorp Genetics (formerly Invitae), Labcorp
Classification: Pathogenic for Bardet-Biedl syndrome. Last evaluated: 2025-12-26. Review status: criteria provided, single submitter. Criteria: Invitae Variant Classification Sherloc (09022015). Collection method: clinical testing. Allele origin: germline.
Comment: This sequence change creates a premature translational stop signal (p.Ala228Cysfs*5) in the BBS4 gene. It is expected to result in an absent or disrupted protein product. Loss-of-function variants in BBS4 are known to be pathogenic (PMID: 11381270, 12016587, 20177705, 26355662, 27894351). This variant is present in population databases (rs773064196, gnomAD 0.003%). This variant has not been reported in the literature in individuals affected with BBS4-related conditions. Algorithms developed to predict the effect of sequence changes on RNA splicing suggest that this variant may disrupt the consensus splice site. For these reasons, this variant has been classified as Pathogenic.

Literature cited by the submitters: PubMed 11381270; PubMed 12016587; PubMed 20177705; PubMed 26355662; PubMed 27894351.